The following is an entry in ClinVar:

NM_000059.4(BRCA2):c.7657A>G (p.Asn2553Asp)

Gene: BRCA2 (BRCA2 DNA repair associated; plus strand). Cytogenetic location: 13q13.1.
Variant type: single nucleotide variant.
Coding change: c.7657A>G on transcript NM_000059.4 (MANE Select); coding-DNA position 7657, A replaced by G.
Protein change: p.Asn2553Asp; replaces asparagine 2553 with aspartic acid.
Molecular consequence: missense variant.
Genome position (GRCh38, 1-based): chr13:32,357,781, A>G. VCF-style: chr13-32357781-A-G. GRCh37 (hg19) VCF-style: chr13-32931918-A-G.
Other names: short protein forms N2553D.
Identifiers: ClinVar variation 827174 (VCV000827174.7), dbSNP rs1593920724, ClinGen allele CA387744969.
Genomic context (GRCh38, chr13:32,357,781, plus strand): 5'-GTGTGTGTTTATTTTGTGTAGCTGTATACGTATGGCGTTTCTAAACATTGCATAAAAATT[A>G]ACAGCAAAAATGCAGAGTCTTTTCAGTTTCACACTGAAGATTATTTTGGTAAGGAAAGTT-3'
Protein context (NP_000050.3, residues 2543-2563): YGVSKHCIKI[Asn2553Asp]SKNAESFQFH

ClinVar aggregate classification (germline): Uncertain significance. Review status: criteria provided, multiple submitters, no conflicts (2 of 4 stars). 2 submissions from 2 submitters: Uncertain significance (2). Last evaluated 2023-10-28.

Conditions:
Hereditary cancer-predisposing syndrome. Also called: Neoplastic Syndromes, Hereditary; Tumor predisposition; Hereditary neoplastic syndrome; Hereditary Cancer Syndrome. Identifiers: Orphanet 140162, MedGen C0027672, MeSH D009386, MONDO:0015356.
Hereditary breast ovarian cancer syndrome. Also called: Hereditary breast and ovarian cancer syndrome; Hereditary breast and ovarian cancer; Hereditary breast and ovarian cancer syndrome (HBOC); Breast and ovarian cancer; Hereditary breast and/or ovarian cancer syndrome; BRCA1- and BRCA2-Associated Hereditary Breast and Ovarian Cancer. Identifiers: Orphanet 145, MedGen C0677776, MeSH D061325, MONDO:0003582. Disease mechanism: loss of function.

Submissions (2):

Labcorp Genetics (formerly Invitae), Labcorp
Classification: Uncertain significance for Hereditary breast ovarian cancer syndrome. Last evaluated: 2023-10-28. Review status: criteria provided, single submitter. Criteria: Invitae Variant Classification Sherloc (09022015). Collection method: clinical testing. Allele origin: germline.
Comment: This sequence change replaces asparagine, which is neutral and polar, with aspartic acid, which is acidic and polar, at codon 2553 of the BRCA2 protein (p.Asn2553Asp). This variant is not present in population databases (gnomAD no frequency). This variant has not been reported in the literature in individuals affected with BRCA2-related conditions. ClinVar contains an entry for this variant (Variation ID: 827174). Advanced modeling of protein sequence and biophysical properties (such as structural, functional, and spatial information, amino acid conservation, physicochemical variation, residue mobility, and thermodynamic stability) performed at Invitae indicates that this missense variant is not expected to disrupt BRCA2 protein function with a negative predictive value of 95%. In summary, the available evidence is currently insufficient to determine the role of this variant in disease. Therefore, it has been classified as a Variant of Uncertain Significance.

Ambry Genetics
Classification: Uncertain significance for Hereditary cancer-predisposing syndrome. Last evaluated: 2019-01-03. Review status: criteria provided, single submitter. Criteria: Ambry Variant Classification Scheme 2023. Collection method: clinical testing. Allele origin: germline.
Comment: The p.N2553D variant (also known as c.7657A>G), located in coding exon 15 of the BRCA2 gene, results from an A to G substitution at nucleotide position 7657. The asparagine at codon 2553 is replaced by aspartic acid, an amino acid with highly similar properties. This amino acid position is not well conserved in available vertebrate species. In addition, the in silico prediction for this alteration is inconclusive. Since supporting evidence is limited at this time, the clinical significance of this alteration remains unclear.